The following is an entry in ClinVar:

ClinVar aggregate classification (germline): Likely benign (0 of 4 stars; one submission).

Conditions:
PLXNA1-related disorder. Also called: PLXNA1-related condition.

gnomAD v4.1: 2 of 1,605,802 alleles (0.00012%); highest among the groups gnomAD compares: African/African-American, 0.0027%; no homozygotes.

Submission:

PreventionGenetics, part of Exact Sciences
Classification: Likely benign for PLXNA1-related condition. Last evaluated: 2023-04-28. Review status: no assertion criteria provided. Collection method: clinical testing. Allele origin: germline.
Comment: This variant is classified as likely benign based on ACMG/AMP sequence variant interpretation guidelines (Richards et al. 2015 PMID: 25741868, with internal and published modifications).

NM_032242.4(PLXNA1):c.1398C>T (p.Asn466=)

Gene: PLXNA1 (plexin A1; plus strand). Cytogenetic location: 3q21.3.
Variant type: single nucleotide variant.
Coding change: c.1398C>T on transcript NM_032242.4 (MANE Select); coding-DNA position 1398, C replaced by T.
Protein change: p.Asn466=; no amino-acid change (asparagine 466 retained).
Molecular consequence: synonymous variant.
Genome position (GRCh38, 1-based): chr3:127,003,350, C>T. VCF-style: chr3-127003350-C-T. GRCh37 (hg19) VCF-style: chr3-126722193-C-T.
Identifiers: ClinVar variation 3357262 (VCV003357262.1).